The following is an entry in ClinVar:

NM_024532.5(SPAG16):c.645-4A>G

Gene: SPAG16 (sperm associated antigen 16; plus strand). Cytogenetic location: 2q34.
Variant type: single nucleotide variant.
Coding change: c.645-4A>G on transcript NM_024532.5 (MANE Select); 4 bases into the intron before coding-DNA position 645, A replaced by G.
Molecular consequence: intron variant.
Genome position (GRCh38, 1-based): chr2:213,350,524, A>G. VCF-style: chr2-213350524-A-G. GRCh37 (hg19) VCF-style: chr2-214215248-A-G.
Identifiers: ClinVar variation 3036776 (VCV003036776.2), dbSNP rs368338111, ClinGen allele CA2089401.

ClinVar aggregate classification (germline): Likely benign (0 of 4 stars; one submission).

Conditions:
SPAG16-related disorder. Also called: SPAG16-related condition.

Allele frequency attached by ClinVar (database versions not stated): ExAC 0.00001; gnomAD exomes 0.00001; gnomAD 0.00002; TOPMed 0.00002; ESP Exome Variant Server 0.00008.
gnomAD v4.1: 10 of 1,505,544 alleles (0.00066%); highest among the groups gnomAD compares: African/African-American, 0.0071%; no homozygotes.

Submission:

PreventionGenetics, part of Exact Sciences
Classification: Likely benign for SPAG16-related condition. Last evaluated: 2021-02-01. Review status: no assertion criteria provided. Collection method: clinical testing. Allele origin: germline.
Comment: This variant is classified as likely benign based on ACMG/AMP sequence variant interpretation guidelines (Richards et al. 2015 PMID: 25741868, with internal and published modifications).